The following is an entry in ClinVar:

NM_001165963.4(SCN1A):c.4450G>A (p.Asp1484Asn)

Genes: SCN1A (sodium voltage-gated channel alpha subunit 1; minus strand), LOC102724058 (uncharacterized LOC102724058; plus strand). Cytogenetic location: 2q24.3.
Variant type: single nucleotide variant.
Coding change: c.4450G>A on transcript NM_001165963.4 (MANE Select); coding-DNA position 4450, G replaced by A.
Protein change: p.Asp1484Asn; replaces aspartic acid 1484 with asparagine.
Molecular consequence: missense variant. On other transcripts: non-coding transcript variant (1).
Genome position (GRCh38, 1-based): chr2:165,998,064, C>T on the plus strand (G>A on the coding strand, the complement: SCN1A is on the minus strand). VCF-style: chr2-165998064-C-T. GRCh37 (hg19) VCF-style: chr2-166854574-C-T.
Other names: c.4366G>A, p.Asp1456Asn (NM_001165964.3, NM_001353957.2, NM_001353958.2); c.4450G>A, p.Asp1484Asn (NM_001202435.3, NM_001353948.2); c.4417G>A, p.Asp1473Asn (NM_001353949.2, NM_001353950.2, NM_001353951.2 and 2 more transcripts); c.4414G>A, p.Asp1472Asn (NM_001353954.2, NM_001353955.2); c.4363G>A, p.Asp1455Asn (NM_001353960.2); c.2008G>A, p.Asp670Asn (NM_001353961.2); short protein forms D1455N, D1456N, D1472N, D1473N, D1484N, D670N.
Identifiers: ClinVar variation 4800266 (VCV004800266.1).
Genomic context (GRCh38, chr2:165,998,064, plus strand): 5'-TCTCAGTGGGAGAGAAAATATTAGAAATACTTATCTTCTTTTTCTGCTGGTTGAAATTAT[C>T]TATGATGACACCAATAAACAGGTTCAAGGTGAAGAAGGACCCAAAGATGATGAAAATAAC-3'
Protein context (NP_001159435.1, residues 1474-1494): TLNLFIGVII[Asp1484Asn]NFNQQKKKFG

ClinVar aggregate classification (germline): Uncertain significance (1 of 4 stars; one submission).

Conditions:
Early-infantile DEE. Also called: Early infantile epileptic encephalopathy with suppression bursts; Early infantile epileptic encephalopathy; Ohtahara syndrome. Identifiers: Orphanet 1934, MedGen C0393706, MONDO:0800491.

Submission:

Labcorp Genetics (formerly Invitae), Labcorp
Classification: Uncertain significance for Early-infantile DEE. Last evaluated: 2025-08-25. Review status: criteria provided, single submitter. Criteria: Invitae Variant Classification Sherloc (09022015). Collection method: clinical testing. Allele origin: germline.
Comment: This sequence change replaces aspartic acid, which is acidic and polar, with asparagine, which is neutral and polar, at codon 1484 of the SCN1A protein (p.Asp1484Asn). This variant is not present in population databases (gnomAD no frequency). This variant has not been reported in the literature in individuals affected with SCN1A-related conditions. Invitae Evidence Modeling of protein sequence and biophysical properties (such as structural, functional, and spatial information, amino acid conservation, physicochemical variation, residue mobility, and thermodynamic stability) indicates that this missense variant is expected to disrupt SCN1A protein function with a positive predictive value of 95%. In summary, the available evidence is currently insufficient to determine the role of this variant in disease. Therefore, it has been classified as a Variant of Uncertain Significance.